The following is an entry in ClinVar:

ClinVar aggregate classification (germline): Uncertain significance (1 of 4 stars; one submission).

Allele frequency attached by ClinVar (database versions not stated): gnomAD 0.00001; TOPMed 0.00004; ExAC 0.00006.
gnomAD v4.1: 6 of 1,572,342 alleles (0.00038%); highest among the groups gnomAD compares: Admixed American, 0.0019%; no homozygotes.

Submission:

Ambry Genetics
Classification: Uncertain significance. Last evaluated: 2024-10-04. Review status: criteria provided, single submitter. Criteria: Ambry Variant Classification Scheme 2023. Collection method: clinical testing. Allele origin: germline.
Comment: The p.P1741S variant (also known as c.5221C>T), located in coding exon 22 of the WNK2 gene, results from a C to T substitution at nucleotide position 5221. The proline at codon 1741 is replaced by serine, an amino acid with similar properties. This amino acid position is conserved. In addition, the in silico prediction for this alteration is inconclusive. Based on the available evidence, the clinical significance of this variant remains unclear.

NM_006648.4(WNK2):c.5221C>T (p.Pro1741Ser)

Gene: WNK2 (WNK lysine deficient protein kinase 2; plus strand). Cytogenetic location: 9q22.31.
Variant type: single nucleotide variant.
Coding change: c.5221C>T on transcript NM_006648.4 (MANE Select); coding-DNA position 5221, C replaced by T.
Protein change: p.Pro1741Ser; replaces proline 1741 with serine.
Molecular consequence: missense variant.
Genome position (GRCh38, 1-based): chr9:93,292,686, C>T. VCF-style: chr9-93292686-C-T. GRCh37 (hg19) VCF-style: chr9-96054968-C-T.
Other names: c.5332C>T, p.Pro1778Ser (NM_001282394.3); short protein forms P1741S, P1778S.
Identifiers: ClinVar variation 3190648 (VCV003190648.2), dbSNP rs762017976, ClinGen allele CA5130537.